The following is an entry in ClinVar:

ClinVar aggregate classification (germline): Conflicting classifications of pathogenicity. Review status: criteria provided, conflicting classifications (1 of 4 stars). 2 submissions from 2 submitters: Pathogenic (1); Uncertain significance (1). Last evaluated 2025-09-29.

Conditions:
Glycogen storage disease, type VI (GSD6). Also called: Glycogen storage disease type 6; Hepatic glycogen phosphorylase deficiency; GSD VI; Glycogen storage disease type 6, due to phosphorylation; HERS DISEASE; PHOSPHORYLASE DEFICIENCY GLYCOGEN-STORAGE DISEASE OF LIVER. Identifiers: Orphanet 369, MedGen C0017925, MONDO:0009294, OMIM 232700.

Submissions (2):

Labcorp Genetics (formerly Invitae), Labcorp
Classification: Pathogenic for Glycogen storage disease, type VI. Last evaluated: 2025-09-29. Review status: criteria provided, single submitter. Criteria: Invitae Variant Classification Sherloc (09022015). Collection method: clinical testing. Allele origin: germline.
Comment: This sequence change replaces arginine, which is basic and polar, with histidine, which is basic and polar, at codon 491 of the PYGL protein (p.Arg491His). This variant is present in population databases (rs150701003, gnomAD 0.006%). This missense change has been observed in individual(s) with glycogen storage disease (PMID: 33763395). In at least one individual the data is consistent with being in trans (on the opposite chromosome) from a pathogenic variant. It has also been observed to segregate with disease in related individuals. This variant is also known as p.R357H. ClinVar contains an entry for this variant (Variation ID: 3768930). Invitae Evidence Modeling of protein sequence and biophysical properties (such as structural, functional, and spatial information, amino acid conservation, physicochemical variation, residue mobility, and thermodynamic stability) indicates that this missense variant is expected to disrupt PYGL protein function with a positive predictive value of 80%. This variant disrupts the p.Arg491 amino acid residue in PYGL. Other variant(s) that disrupt this residue have been determined to be pathogenic (PMID: 17705025). This suggests that this residue is clinically significant, and that variants that disrupt this residue are likely to be disease-causing. For these reasons, this variant has been classified as Pathogenic.

Women's Health and Genetics/Laboratory Corporation of America, LabCorp
Classification: Uncertain significance. Last evaluated: 2025-02-19. Review status: criteria provided, single submitter. Criteria: LabCorp Variant Classification Summary - May 2015. Collection method: clinical testing. Allele origin: germline.
Comment: Variant summary: PYGL c.1472G>A (p.Arg491His), also known as c.1370G>A (p.R457H), results in a non-conservative amino acid change in the encoded protein sequence. Five of five in-silico tools predict a damaging effect of the variant on protein function. The variant allele was found at a frequency of 2.4e-05 in 251444 control chromosomes. c.1472G>A has been reported in the literature in at-least two compound heterozygous individuals affected with Glycogen storage disease, type VI, who were also found to carry a pathogenic variant in trans (example: Fang_FrontPediatr_2021). These data indicate that the variant may be associated with disease. To our knowledge, no experimental evidence demonstrating an impact on protein function has been reported. The following publications have been ascertained in the context of this evaluation (PMID: 21646031, 33763395, 38576397). No submitters have cited clinical-significance assessments for this variant to ClinVar. Based on the evidence outlined above, the variant was classified as VUS-possibly pathogenic.

Literature cited by the submitters: PubMed 33763395 (cited by Labcorp Genetics (formerly Invitae), Labcorp and Women's Health and Genetics/Laboratory Corporation of America, LabCorp); PubMed 17705025 (cited by Labcorp Genetics (formerly Invitae), Labcorp); PubMed 21646031 (cited by Women's Health and Genetics/Laboratory Corporation of America, LabCorp); PubMed 38576397 (cited by Women's Health and Genetics/Laboratory Corporation of America, LabCorp).

NM_002863.5(PYGL):c.1472G>A (p.Arg491His)

Gene: PYGL (glycogen phosphorylase L; minus strand). Cytogenetic location: 14q22.1.
Variant type: single nucleotide variant.
Coding change: c.1472G>A on transcript NM_002863.5 (MANE Select); coding-DNA position 1472, G replaced by A.
Protein change: p.Arg491His; replaces arginine 491 with histidine.
Molecular consequence: missense variant.
Genome position (GRCh38, 1-based): chr14:50,914,747, C>T on the plus strand (G>A on the coding strand, the complement: PYGL is on the minus strand). VCF-style: chr14-50914747-C-T. GRCh37 (hg19) VCF-style: chr14-51381465-C-T.
Other names: c.1370G>A, p.Arg457His (NM_001163940.2); short protein forms R457H, R491H.
Identifiers: ClinVar variation 3768930 (VCV003768930.2).
Genomic context (GRCh38, chr14:50,914,747, plus strand): 5'-CACTTCCCAGTTACCTCTGCTATGAGCTCTGCAAGTCCTGGGTTGCAGAGTAGGAGCCAG[C>T]GCCTTGGAGTGATCCCATTGGTTTTATTCTGAAACTTGTCAGGTTCTAGCTCACTGAAGT-3'
Protein context (NP_002854.3, residues 481-501): QNKTNGITPR[Arg491His]WLLLCNPGLA